The following is an entry in ClinVar:

ClinVar aggregate classification (germline): Pathogenic. Review status: criteria provided, single submitter (1 of 4 stars). 2 submissions from 2 submitters: Pathogenic (1). 1 of the submissions does not count toward it. Last evaluated 2023-05-05.

Conditions:
Lysinuric protein intolerance (LPI). Identifiers: Orphanet 470, MedGen C0268647, MONDO:0009109, OMIM 222700.

Submissions (2):

Labcorp Genetics (formerly Invitae), Labcorp
Classification: Pathogenic for Lysinuric protein intolerance. Last evaluated: 2023-05-05. Review status: criteria provided, single submitter. Criteria: Invitae Variant Classification Sherloc (09022015). Collection method: clinical testing. Allele origin: germline.
Comment: For these reasons, this variant has been classified as Pathogenic. This variant disrupts a region of the SLC7A7 protein in which other variant(s) (p.Glu36del) have been observed in individuals with SLC7A7-related conditions (PMID: 15756301). This suggests that this is a clinically significant region of the protein, and that variants that disrupt it are likely to be disease-causing. Experimental studies have shown that disruption of the initiator codon affects SLC7A7 function (PMID: 15776427, 17764084). Algorithms developed to predict the effect of variants on protein structure and function are not available or were not evaluated for this variant. ClinVar contains an entry for this variant (Variation ID: 6208). Disruption of the initiator codon has been observed in individual(s) with SLC7A7-related conditions. (PMID: 10631139). It has also been observed to segregate with disease in related individuals. This variant is not present in population databases (gnomAD no frequency). This sequence change affects the initiator methionine of the SLC7A7 mRNA. The next in-frame methionine is located at codon 50.

OMIM
Classification: Pathogenic for LYSINURIC PROTEIN INTOLERANCE. Last evaluated: 2008-01-01. Review status: no assertion criteria provided. Collection method: literature only. Allele origin: germline. Not counted in ClinVar's aggregate classification.

Literature cited by the submitters: PubMed 15756301 (cited by Labcorp Genetics (formerly Invitae), Labcorp); PubMed 15776427 (cited by Labcorp Genetics (formerly Invitae), Labcorp); PubMed 17764084 (cited by Labcorp Genetics (formerly Invitae), Labcorp and OMIM); PubMed 10631139 (cited by Labcorp Genetics (formerly Invitae), Labcorp and OMIM).

NM_003982.4(SLC7A7):c.1A>C (p.Met1Leu)

Genes: SLC7A7 (solute carrier family 7 member 7; minus strand), LOC130055324 (ATAC-STARR-seq lymphoblastoid silent region 5590; plus strand). Cytogenetic location: 14q11.2.
Variant type: single nucleotide variant.
Coding change: c.1A>C on transcript NM_003982.4 (MANE Select); coding-DNA position 1, A replaced by C.
Protein change: p.Met1Leu; changes the start codon (methionine 1).
Molecular consequence: missense variant, initiator codon variant.
Genome position (GRCh38, 1-based): chr14:22,813,398, T>G on the plus strand (A>C on the coding strand, the complement: SLC7A7 is on the minus strand). VCF-style: chr14-22813398-T-G. GRCh37 (hg19) VCF-style: chr14-23282607-T-G.
Other names: c.1A>C, p.Met1Leu (NM_001126105.3, NM_001126106.4); short protein forms M1L.
Identifiers: ClinVar variation 6208 (VCV000006208.5), dbSNP rs121908676, ClinGen allele CA253799.